The following is an entry in ClinVar:

NM_201384.3(PLEC):c.5944C>T (p.Arg1982Trp)

Gene: PLEC (plectin; minus strand). Cytogenetic location: 8q24.3.
Variant type: single nucleotide variant.
Coding change: c.5944C>T on transcript NM_201384.3 (MANE Select); coding-DNA position 5944, C replaced by T.
Protein change: p.Arg1982Trp; replaces arginine 1982 with tryptophan.
Molecular consequence: missense variant.
Genome position (GRCh38, 1-based): chr8:143,923,985, G>A on the plus strand (C>T on the coding strand, the complement: PLEC is on the minus strand). VCF-style: chr8-143923985-G-A. GRCh37 (hg19) VCF-style: chr8-144998153-G-A.
Other names: c.6025C>T (NM_000445.3); c.6025C>T, p.Arg2009Trp (NM_000445.5); c.5902C>T, p.Arg1968Trp (NM_201378.4); c.5878C>T, p.Arg1960Trp (NM_201379.3); c.6355C>T, p.Arg2119Trp (NM_201380.4); c.5848C>T, p.Arg1950Trp (NM_201381.3); c.5944C>T, p.Arg1982Trp (NM_201382.4); c.5956C>T, p.Arg1986Trp (NM_201383.3); short protein forms R1982W, R2009W, R1950W, R1960W, R1968W, R1986W, R2119W.
Identifiers: ClinVar variation 970424 (VCV000970424.12), dbSNP rs782278361, ClinGen allele CA4926175.
Genomic context (GRCh38, chr8:143,923,985, plus strand): 5'-GTGCGGCCTCCTCCTCGGCCGCCAGGCTCTTCTGCACGCGCTCCTCAGCCTCACGGCGCC[G>A]CCGCTCCTCCTCCGCCGCCAGCTGCCGCTGCCTCGCAGCCTCCAGCTCGGCCTGCTCCTT-3'
Protein context (NP_958786.1, residues 1972-1992): QRQLAAEEER[Arg1982Trp]RREAEERVQK

ClinVar aggregate classification (germline): Uncertain significance. Review status: criteria provided, multiple submitters, no conflicts (2 of 4 stars). 3 submissions from 3 submitters: Uncertain significance (3). Last evaluated 2025-09-11.

Conditions:
Epidermolysis bullosa simplex 5B, with muscular dystrophy (EBS5B). Also called: Epidermolysis bullosa simplex with muscular dystrophy; EPIDERMOLYSIS BULLOSA SIMPLEX AND LIMB-GIRDLE MUSCULAR DYSTROPHY. Identifiers: Orphanet 257, MedGen C2931072, MONDO:0009181, OMIM 226670.
Autosomal recessive limb-girdle muscular dystrophy type 2Q (LGMDR17). Also called: MUSCULAR DYSTROPHY, LIMB-GIRDLE, AUTOSOMAL RECESSIVE 17. Identifiers: Orphanet 254361, MedGen C3150989, MONDO:0013390, OMIM 613723.
Epidermolysis bullosa simplex with nail dystrophy (EBS5D). Identifiers: MedGen C4225309, MONDO:0014661, OMIM 616487.
Epidermolysis bullosa simplex 5C, with pyloric atresia (EBS5C). Also called: PLEC-Related Epidermolysis Bullosa with Pyloric Atresia; Epidermolysis bullosa simplex with pyloric atresia; PLEC1-Related Epidermolysis Bullosa with Pyloric Atresia. Identifiers: Orphanet 158684, MedGen C2677349, MONDO:0012807, OMIM 612138.
Epidermolysis bullosa simplex, Ogna type (EBS5A). Also called: Pidermolysis bullosa simplex 5A, Ogna type; EPIDERMOLYSIS BULLOSA SIMPLEX 5A, OGNA TYPE. Identifiers: Orphanet 79401, MedGen C0432317, MONDO:0007555, OMIM 131950.
Inborn genetic diseases. Identifiers: MedGen C0950123, MeSH D030342.

Allele frequency attached by ClinVar (database versions not stated): gnomAD exomes 0.00004 and 0.00008; gnomAD 0.00005 and 0.00006; TOPMed 0.00005.
gnomAD v4.1: 118 of 1,584,722 alleles (0.0074%); highest among the groups gnomAD compares: East Asian, 0.011%; no homozygotes.

Submissions (3):

Ambry Genetics
Classification: Uncertain significance for Inborn genetic diseases. Last evaluated: 2025-09-11. Review status: criteria provided, single submitter. Criteria: Ambry Variant Classification Scheme 2023. Collection method: clinical testing. Allele origin: germline.

Labcorp Genetics (formerly Invitae), Labcorp
Classification: Uncertain significance for Autosomal recessive limb-girdle muscular dystrophy type 2Q; Epidermolysis bullosa simplex, Ogna type; Epidermolysis bullosa simplex with nail dystrophy; Epidermolysis bullosa simplex 5C, with pyloric atresia; Epidermolysis bullosa simplex 5B, with muscular dystrophy. Last evaluated: 2025-03-04. Review status: criteria provided, single submitter. Criteria: Invitae Variant Classification Sherloc (09022015). Collection method: clinical testing. Allele origin: germline.
Comment: This sequence change replaces arginine, which is basic and polar, with tryptophan, which is neutral and slightly polar, at codon 2009 of the PLEC protein (p.Arg2009Trp). This variant is present in population databases (rs782278361, gnomAD 0.02%). This variant has not been reported in the literature in individuals affected with PLEC-related conditions. ClinVar contains an entry for this variant (Variation ID: 970424). Experimental studies and prediction algorithms are not available or were not evaluated, and the functional significance of this variant is currently unknown. In summary, the available evidence is currently insufficient to determine the role of this variant in disease. Therefore, it has been classified as a Variant of Uncertain Significance.

Revvity Omics, Revvity
Classification: Uncertain significance. Last evaluated: 2022-03-31. Review status: criteria provided, single submitter. Criteria: ACMG Guidelines, 2015. Collection method: clinical testing. Allele origin: germline.